The following is an entry in ClinVar:

NM_001283009.2(RTEL1):c.2413+1G>A

Genes: RTEL1 (regulator of telomere elongation helicase 1; plus strand), RTEL1-TNFRSF6B (RTEL1-TNFRSF6B readthrough (NMD candidate); plus strand). Cytogenetic location: 20q13.33.
Variant type: single nucleotide variant.
Coding change: c.2413+1G>A on transcript NM_001283009.2 (MANE Select); the canonical splice donor site of the intron after coding-DNA position 2413, G replaced by A.
Molecular consequence: splice donor variant.
Genome position (GRCh38, 1-based): chr20:63,690,442, G>A. VCF-style: chr20-63690442-G-A. GRCh37 (hg19) VCF-style: chr20-62321795-G-A.
Other names: c.1744+1G>A (NM_001283010.1); c.2485+1G>A (NM_032957.5); c.2413+1G>A (NM_016434.4).
Identifiers: ClinVar variation 2678488 (VCV002678488.4), dbSNP rs776744306, ClinGen allele CA9965314.

ClinVar aggregate classification (germline): Likely pathogenic. Review status: criteria provided, multiple submitters, no conflicts (2 of 4 stars). 2 submissions from 2 submitters: Likely pathogenic (2). Last evaluated 2024-01-01.

Conditions:
Dyskeratosis congenita, autosomal recessive 5 (DKCB5). Identifiers: MedGen C3554656, MONDO:0014076, OMIM 615190.
Pulmonary fibrosis and/or bone marrow failure, Telomere-related, 3. Also called: PULMONARY FIBROSIS AND/OR BONE MARROW FAILURE SYNDROME, TELOMERE-RELATED, 3. Identifiers: Orphanet 2032, MedGen C4225346, MONDO:0014613, OMIM 616373.

Allele frequency attached by ClinVar (database versions not stated): gnomAD exomes below 0.00001; ExAC 0.00001.
gnomAD v4.1: 1 of 1,580,738 alleles (0.000063%); highest among the groups gnomAD compares: Admixed American, 0.0018%; no homozygotes.

Submissions (2):

Labcorp Genetics (formerly Invitae), Labcorp
Classification: Likely pathogenic for Dyskeratosis congenita, autosomal recessive 5; Pulmonary fibrosis and/or bone marrow failure, Telomere-related, 3. Last evaluated: 2024-01-01. Review status: criteria provided, single submitter. Criteria: Invitae Variant Classification Sherloc (09022015). Collection method: clinical testing. Allele origin: germline.
Comment: This sequence change affects a donor splice site in intron 26 of the RTEL1 gene. It is expected to disrupt RNA splicing. Variants that disrupt the donor or acceptor splice site typically lead to a loss of protein function (PMID: 16199547), and loss-of-function variants in RTEL1 are known to be pathogenic (PMID: 23453664, 23959892, 25607374). This variant is present in population databases (rs776744306, gnomAD 0.003%). Disruption of this splice site has been observed in individual(s) with familial interstitial pneumonia (PMID: 25607374). Algorithms developed to predict the effect of sequence changes on RNA splicing suggest that this variant may disrupt the consensus splice site. In summary, the currently available evidence indicates that the variant is pathogenic, but additional data are needed to prove that conclusively. Therefore, this variant has been classified as Likely Pathogenic.

Baylor Genetics
Classification: Likely pathogenic for Dyskeratosis congenita, autosomal recessive 5. Last evaluated: 2022-04-27. Review status: criteria provided, single submitter. Criteria: ACMG Guidelines, 2015. Collection method: clinical testing. Allele origin: unknown.

Literature cited by the submitters: PubMed 16199547 (cited by Labcorp Genetics (formerly Invitae), Labcorp); PubMed 23453664 (cited by Labcorp Genetics (formerly Invitae), Labcorp); PubMed 23959892 (cited by Labcorp Genetics (formerly Invitae), Labcorp); PubMed 25607374 (cited by Labcorp Genetics (formerly Invitae), Labcorp).